The following is an entry in ClinVar:

GRCh37/hg19 17p12(chr17:15638231-15648509)x3

Gene: TBC1D26 (TBC1 domain family member 26; plus strand). Cytogenetic location: 17p12.
Variant type: copy number gain.
Change: copy number 3 (three copies instead of two) of chr17:15,638,231-15,648,509 (10.3 kb, GRCh37 coordinates, 1-based), cytogenetic band 17p12.
Identifiers: ClinVar variation 394897 (VCV000394897.3).

ClinVar aggregate classification (germline): Benign/Likely benign (0 of 4 stars; one submission).

Submission:

ISCA Site 6
Classification: Benign/Likely benign. Review status: no assertion criteria provided. Collection method: clinical testing. Allele origin: unknown. Affected: yes. Observed: 11 variant alleles. Clinical features observed: Developmental delay AND/OR other significant developmental or morphological phenotypes.
Comment: Likely benign (1), Benign (10)

Copy number variation identified through the course of routine clinical cytogenomic testing in postnatal populations, with clinical assertions as classified by the original submitter. For data from the original published study, Kaminsky, et al. 2011 (PubMed 21844811), please see nstd101.